The following is an entry in ClinVar:

GRCh37/hg19 9q34.11(chr9:131433808-131537679)x1

Genes: PKN3 (protein kinase N3; plus strand), SET (SET nuclear proto-oncogene; plus strand), ZDHHC12 (zDHHC palmitoyltransferase 12; minus strand), ZER1 (zyg-11 related cell cycle regulator; minus strand). Cytogenetic location: 9q34.11.
Variant type: copy number loss.
Change: copy number 1 (one copy instead of two) of chr9:131,433,808-131,537,679 (103.9 kb, GRCh37 coordinates, 1-based), cytogenetic band 9q34.11.
Identifiers: ClinVar variation 687384 (VCV000687384.3).

ClinVar aggregate classification (germline): no classifications from unflagged records (0 of 4 stars; one submission).

Submission:

Bionano Laboratories
Classification: Uncertain significance. Last evaluated: 2017-04-25. Review status: flagged submission. Collection method: clinical testing. Allele origin: unknown.
ClinVar note: Notes: This submission was flagged because its interpretation of this variant conflicts with the ClinGen Gene Dosage Map curation for the gene SET.
ClinVar note: Reason: Conflict with ClinGen Gene Dosage Map